The following is an entry in ClinVar:

ClinVar aggregate classification (germline): Uncertain significance (1 of 4 stars; one submission).

Conditions:
Hereditary cancer-predisposing syndrome. Also called: Neoplastic Syndromes, Hereditary; Hereditary neoplastic syndrome; Tumor predisposition; Hereditary Cancer Syndrome. Identifiers: Orphanet 140162, MedGen C0027672, MeSH D009386, MONDO:0015356.

Submission:

Ambry Genetics
Classification: Uncertain significance for Hereditary cancer-predisposing syndrome. Last evaluated: 2026-01-19. Review status: criteria provided, single submitter. Criteria: Ambry Variant Classification Scheme 2023. Collection method: clinical testing. Allele origin: germline.
Comment: The p.E54G variant (also known as c.161A>G), located in coding exon 4 of the BAP1 gene, results from an A to G substitution at nucleotide position 161. The glutamic acid at codon 54 is replaced by glycine, an amino acid with similar properties. This amino acid position is conserved. In addition, the in silico prediction for this alteration is inconclusive. Based on the available evidence, the clinical significance of this variant remains unclear.

NM_004656.4(BAP1):c.161A>G (p.Glu54Gly)

Gene: BAP1 (BRCA1 associated deubiquitinase 1; minus strand). Cytogenetic location: 3p21.1.
Variant type: single nucleotide variant.
Coding change: c.161A>G on transcript NM_004656.4 (MANE Select); coding-DNA position 161, A replaced by G.
Protein change: p.Glu54Gly; replaces glutamic acid 54 with glycine.
Molecular consequence: missense variant.
Genome position (GRCh38, 1-based): chr3:52,408,568, T>C on the plus strand (A>G on the coding strand, the complement: BAP1 is on the minus strand). VCF-style: chr3-52408568-T-C. GRCh37 (hg19) VCF-style: chr3-52442584-T-C.
Other names: c.161A>G, p.Glu54Gly (NM_001410772.1); short protein forms E54G.
Identifiers: ClinVar variation 4824087 (VCV004824087.1).